The following is an entry in ClinVar:

NM_001015877.2(PHF6):c.152C>A (p.Ala51Asp)

Gene: PHF6 (PHD finger protein 6; plus strand). Cytogenetic location: Xq26.2.
Variant type: single nucleotide variant.
Coding change: c.152C>A on transcript NM_001015877.2 (MANE Select); coding-DNA position 152, C replaced by A.
Protein change: p.Ala51Asp; replaces alanine 51 with aspartic acid.
Molecular consequence: missense variant.
Genome position (GRCh38, 1-based): chrX:134,378,018, C>A. VCF-style: chrX-134378018-C-A. GRCh37 (hg19) VCF-style: chrX-133512048-C-A.
Other names: c.152C>A, p.Ala51Asp (NM_032335.3, NM_032458.3); short protein forms A51D.
Identifiers: ClinVar variation 1329711 (VCV001329711.2), dbSNP rs778511523, ClinGen allele CA336026598.
Genomic context (GRCh38, chrX:134,378,018, plus strand): 5'-GATTAATTTATATATGAACCTTAATTTTTTTTAAATGTAATTTATAGCTCTTTTCATCTG[C>A]TTTGGTATCATCACACTCTGATAATGAAAGTCTTGGTGGATTTTCTATTGAAGATGTCCA-3'
Protein context (NP_001015877.1, residues 41-61): AHHKCMLFSS[Ala51Asp]LVSSHSDNES

ClinVar aggregate classification (germline): Uncertain significance (1 of 4 stars; one submission).

Allele frequency attached by ClinVar (database versions not stated): TOPMed below 0.00001; gnomAD 0.00001; gnomAD exomes 0.00001.
gnomAD v4.1: 10 of 1,189,048 alleles (0.00084%); highest among the groups gnomAD compares: Non-Finnish European, 0.0011%; no homozygotes.

Submission:

GeneDx
Classification: Uncertain significance. Last evaluated: 2021-06-26. Review status: criteria provided, single submitter. Criteria: GeneDx Variant Classification Process June 2021. Collection method: clinical testing. Allele origin: germline. Affected: yes.
Comment: Not observed at significant frequency in large population cohorts (Lek et al., 2016); In silico analysis supports that this missense variant does not alter protein structure/function; Has not been previously published as pathogenic or benign to our knowledge; This variant is associated with the following publications: (PMID: 27535533)